The following is an entry in ClinVar:

ClinVar aggregate classification (germline): Likely benign. Review status: criteria provided, single submitter (1 of 4 stars). 2 submissions from 2 submitters: Likely benign (1). 1 of the submissions does not count toward it. Last evaluated 2022-04-04.

Conditions:
PRICKLE2-related disorder. Also called: PRICKLE2-related condition.
Progressive myoclonic epilepsy type 5. Identifiers: Orphanet 402082, MedGen C5190799.

Allele frequency attached by ClinVar (database versions not stated): gnomAD 0.00001; TOPMed 0.00003.
gnomAD v4.1: 28 of 1,614,116 alleles (0.0017%); highest among the groups gnomAD compares: Non-Finnish European, 0.0022%; no homozygotes.

Submissions (2):

Labcorp Genetics (formerly Invitae), Labcorp
Classification: Likely benign for Progressive myoclonic epilepsy type 5. Last evaluated: 2022-04-04. Review status: criteria provided, single submitter. Criteria: Invitae Variant Classification Sherloc (09022015). Collection method: clinical testing. Allele origin: germline.

PreventionGenetics, part of Exact Sciences
Classification: Likely benign for PRICKLE2-related condition. Last evaluated: 2019-06-17. Review status: no assertion criteria provided. Collection method: clinical testing. Allele origin: germline. Not counted in ClinVar's aggregate classification.
Comment: This variant is classified as likely benign based on ACMG/AMP sequence variant interpretation guidelines (Richards et al. 2015 PMID: 25741868, with internal and published modifications).

NM_198859.4(PRICKLE2):c.1120C>T (p.Leu374=)

Gene: PRICKLE2 (prickle planar cell polarity protein 2; minus strand). Cytogenetic location: 3p14.1.
Variant type: single nucleotide variant.
Coding change: c.1120C>T on transcript NM_198859.4 (MANE Select); coding-DNA position 1120, C replaced by T.
Protein change: p.Leu374=; no amino-acid change (leucine 374 retained).
Molecular consequence: synonymous variant.
Genome position (GRCh38, 1-based): chr3:64,147,370, G>A on the plus strand (C>T on the coding strand, the complement: PRICKLE2 is on the minus strand). VCF-style: chr3-64147370-G-A. GRCh37 (hg19) VCF-style: chr3-64133046-G-A.
Other names: c.1120C>T, p.Leu374= (NM_001370528.1); c.1120C>T (NM_198859.3).
Identifiers: ClinVar variation 2151822 (VCV002151822.6), dbSNP rs1016920348, ClinGen allele CA75727809.